The following is an entry in ClinVar:

NM_001134831.2(AHI1):c.3546G>A (p.Met1182Ile)

Gene: AHI1 (Abelson helper integration site 1; minus strand). Cytogenetic location: 6q23.3.
Variant type: single nucleotide variant.
Coding change: c.3546G>A on transcript NM_001134831.2 (MANE Select); coding-DNA position 3546, G replaced by A.
Protein change: p.Met1182Ile; replaces methionine 1182 with isoleucine.
Molecular consequence: missense variant. On other transcripts: intron variant (1).
Genome position (GRCh38, 1-based): chr6:135,290,465, C>T on the plus strand (G>A on the coding strand, the complement: AHI1 is on the minus strand). VCF-style: chr6-135290465-C-T. GRCh37 (hg19) VCF-style: chr6-135611603-C-T.
Other names: c.3546G>A, p.Met1182Ile (NM_001134830.2, NM_001350503.2, NM_017651.5); c.3486-4818G>A (NM_001350504.2); short protein forms M1182I.
Identifiers: ClinVar variation 286680 (VCV000286680.25), dbSNP rs184236039, ClinGen allele CA4011957.

ClinVar aggregate classification (germline): Benign/Likely benign. Review status: criteria provided, multiple submitters, no conflicts (2 of 4 stars). 5 submissions from 5 submitters: Benign (1); Likely benign (4). Last evaluated 2026-08-13.

Conditions:
Joubert syndrome. Also called: JOUBERT-BOLTSHAUSER SYNDROME; Familial aplasia of the vermis. Identifiers: Orphanet 475, MedGen C5979921, MONDO:0018772.
AHI1-related disorder. Also called: AHI1-related condition.

Allele frequency attached by ClinVar (database versions not stated): TOPMed 0.00244; gnomAD exomes 0.00020 and 0.00049; ExAC 0.00060; 1000 Genomes Project 30x 0.00125; 1000 Genomes Project 0.00140; ESP Exome Variant Server 0.00198; gnomAD 0.00212 and 0.00236.

Submissions (5):

PreventionGenetics, part of Exact Sciences
Classification: Benign for AHI1-related condition. Last evaluated: 2026-08-13. Review status: criteria provided, single submitter. Criteria: ACMG Guidelines, 2015. Collection method: clinical testing. Allele origin: germline.
Comment: This variant is classified as benign based on ACMG/AMP sequence variant interpretation guidelines (Richards et al. 2015 PMID: 25741868, with internal and published modifications).

Labcorp Genetics (formerly Invitae), Labcorp
Classification: Likely benign for Joubert syndrome. Last evaluated: 2026-02-04. Review status: criteria provided, single submitter. Criteria: Invitae Variant Classification Sherloc (09022015). Collection method: clinical testing. Allele origin: germline.

Blueprint Genetics
Classification: Likely benign. Last evaluated: 2024-07-08. Review status: criteria provided, single submitter. Criteria: ACMG Guidelines, 2015. Collection method: clinical testing. Allele origin: germline.

GeneDx
Classification: Likely benign. Last evaluated: 2020-07-04. Review status: criteria provided, single submitter. Criteria: GeneDx Variant Classification Process June 2021. Collection method: clinical testing. Allele origin: germline. Affected: yes.

Eurofins Ntd Llc (ga)
Classification: Likely benign. Last evaluated: 2016-04-08. Review status: criteria provided, single submitter. Criteria: EGL Classification Definitions 2015. Collection method: clinical testing. Allele origin: germline. Observed: 1 variant allele, 1 heterozygote.